The following is an entry in ClinVar:

NM_000222.3(KIT):c.2797A>C (p.Asn933His)

Gene: KIT (KIT proto-oncogene, receptor tyrosine kinase; plus strand). Cytogenetic location: 4q12.
Variant type: single nucleotide variant.
Coding change: c.2797A>C on transcript NM_000222.3 (MANE Select); coding-DNA position 2797, A replaced by C.
Protein change: p.Asn933His; replaces asparagine 933 with histidine.
Molecular consequence: missense variant.
Genome position (GRCh38, 1-based): chr4:54,737,275, A>C. VCF-style: chr4-54737275-A-C. GRCh37 (hg19) VCF-style: chr4-55603441-A-C.
Other names: c.2785A>C, p.Asn929His (NM_001093772.2, NM_001385292.1); c.2800A>C, p.Asn934His (NM_001385284.1); c.2794A>C, p.Asn932His (NM_001385285.1); c.2782A>C, p.Asn928His (NM_001385286.1); c.2788A>C, p.Asn930His (NM_001385288.1); c.2797A>C, p.Asn933His (NM_001385290.1); short protein forms N928H, N929H, N930H, N932H, N933H, N934H.
Identifiers: ClinVar variation 1718611 (VCV001718611.6), dbSNP rs764847795, ClinGen allele CA356914597.
Genomic context (GRCh38, chr4:54,737,275, plus strand): 5'-AAAAGACCAACATTCAAGCAAATTGTTCAGCTAATTGAGAAGCAGATTTCAGAGAGCACC[A>C]ATCATGTGAGTATACCCTGGCCAGGCATAGAATCCCCCTTCTCCCAGTTCCAGGTGTGTC-3'
Protein context (NP_000213.1, residues 923-943): LIEKQISEST[Asn933His]HIYSNLANCS

ClinVar aggregate classification (germline): Uncertain significance (1 of 4 stars; one submission).

Conditions:
Gastrointestinal stromal tumor. Also called: Gastrointestinal stroma tumor; Gastrointestinal stromal tumor, somatic. Identifiers: Orphanet 44890, MedGen C0238198, MeSH D046152, MONDO:0011719, OMIM 606764, HP:0100723.

Submission:

Labcorp Genetics (formerly Invitae), Labcorp
Classification: Uncertain significance for Gastrointestinal stromal tumor. Last evaluated: 2022-09-06. Review status: criteria provided, single submitter. Criteria: Invitae Variant Classification Sherloc (09022015). Collection method: clinical testing. Allele origin: germline.
Comment: This variant has not been reported in the literature in individuals affected with KIT-related conditions. This variant is not present in population databases (gnomAD no frequency). This sequence change replaces asparagine, which is neutral and polar, with histidine, which is basic and polar, at codon 933 of the KIT protein (p.Asn933His). Algorithms developed to predict the effect of missense changes on protein structure and function output the following: SIFT: "Tolerated"; PolyPhen-2: "Benign"; Align-GVGD: "Class C0". The histidine amino acid residue is found in multiple mammalian species, which suggests that this missense change does not adversely affect protein function. In summary, the available evidence is currently insufficient to determine the role of this variant in disease. Therefore, it has been classified as a Variant of Uncertain Significance.